The following is an entry in ClinVar:

ClinVar aggregate classification (germline): Uncertain significance (1 of 4 stars; one submission).

Allele frequency attached by ClinVar (database versions not stated): TOPMed below 0.00001; ExAC 0.00001; ESP Exome Variant Server 0.00008.
gnomAD v4.1: 1 of 1,612,970 alleles (0.000062%); highest among the groups gnomAD compares: Non-Finnish European, 0.000085%; no homozygotes.

Submission:

Labcorp Genetics (formerly Invitae), Labcorp
Classification: Uncertain significance. Last evaluated: 2023-12-11. Review status: criteria provided, single submitter. Criteria: Invitae Variant Classification Sherloc (09022015). Collection method: clinical testing. Allele origin: germline.
Comment: This sequence change replaces serine, which is neutral and polar, with phenylalanine, which is neutral and non-polar, at codon 62 of the ADAMTS13 protein (p.Ser62Phe). This variant is present in population databases (rs375370257, gnomAD 0.0009%). This variant has not been reported in the literature in individuals affected with ADAMTS13-related conditions. Advanced modeling of protein sequence and biophysical properties (such as structural, functional, and spatial information, amino acid conservation, physicochemical variation, residue mobility, and thermodynamic stability) performed at Invitae indicates that this missense variant is not expected to disrupt ADAMTS13 protein function with a negative predictive value of 80%. In summary, the available evidence is currently insufficient to determine the role of this variant in disease. Therefore, it has been classified as a Variant of Uncertain Significance.

NM_139027.6(ADAMTS13):c.185C>T (p.Ser62Phe)

Gene: ADAMTS13 (ADAM metallopeptidase with thrombospondin type 1 motif 13; plus strand). Cytogenetic location: 9q34.2.
Variant type: single nucleotide variant.
Coding change: c.185C>T on transcript NM_139027.6 (MANE Select); coding-DNA position 185, C replaced by T.
Protein change: p.Ser62Phe; replaces serine 62 with phenylalanine.
Molecular consequence: missense variant. On other transcripts: non-coding transcript variant (1).
Genome position (GRCh38, 1-based): chr9:133,424,333, C>T. VCF-style: chr9-133424333-C-T. GRCh37 (hg19) VCF-style: chr9-136289453-C-T.
Other names: c.185C>T, p.Ser62Phe (NM_139025.5, NM_139026.6); short protein forms S62F.
Identifiers: ClinVar variation 2861473 (VCV002861473.1), dbSNP rs375370257, ClinGen allele CA200880116.
Genomic context (GRCh38, chr9:133,424,333, plus strand): 5'-GCTTGCTCTCTAGAACCATCGCCCTCTGCTCTCCCTCTCCCCCTCCAGGCCGCCCTCCTT[C>T]CCCTGGCTTCCAGAGGCAGAGGCAGAGGCAGAGGCGGGCTGCAGGCGGCATCCTACACCT-3'
Protein context (NP_620596.2, residues 52-72): PGAPLKGRPP[Ser62Phe]PGFQRQRQRQ